The following is an entry in ClinVar:

NM_058216.3(RAD51C):c.1040G>T (p.Arg347Ile)

Gene: RAD51C (RAD51 paralog C; plus strand). Cytogenetic location: 17q22.
Variant type: single nucleotide variant.
Coding change: c.1040G>T on transcript NM_058216.3 (MANE Select); coding-DNA position 1040, G replaced by T.
Protein change: p.Arg347Ile; replaces arginine 347 with isoleucine.
Molecular consequence: missense variant. On other transcripts: non-coding transcript variant (1).
Genome position (GRCh38, 1-based): chr17:58,734,131, G>T. VCF-style: chr17-58734131-G-T. GRCh37 (hg19) VCF-style: chr17-56811492-G-T.
Other names: c.*468G>T (NM_058217.1); short protein forms R347I.
Identifiers: ClinVar variation 2132446 (VCV002132446.4), dbSNP rs2509369337, ClinGen allele CA400365951.
Genomic context (GRCh38, chr17:58,734,131, plus strand): 5'-TCAAATGTTCTTAAAGCATATTTGTATATATATTTTTTATCTTTCAGCCTCAGGGATTTA[G>T]AGATACTGTTGTTACTTCTGCATGTTCATTGCAAACAGAAGGTTCCTTGAGCACCCGGAA-3'
Protein context (NP_478123.1, residues 337-357): VLFQIKPQGF[Arg347Ile]DTVVTSACSL

ClinVar aggregate classification (germline): Uncertain significance (1 of 4 stars; one submission).

Conditions:
Fanconi anemia complementation group O. Also called: RAD51C-Related Fanconi Anemia. Identifiers: Orphanet 84, MedGen C3150653, MONDO:0013248, OMIM 613390.

Submission:

Labcorp Genetics (formerly Invitae), Labcorp
Classification: Uncertain significance for Fanconi anemia complementation group O. Last evaluated: 2022-05-01. Review status: criteria provided, single submitter. Criteria: Invitae Variant Classification Sherloc (09022015). Collection method: clinical testing. Allele origin: germline.
Comment: In summary, the available evidence is currently insufficient to determine the role of this variant in disease. Therefore, it has been classified as a Variant of Uncertain Significance. Algorithms developed to predict the effect of missense changes on protein structure and function are either unavailable or do not agree on the potential impact of this missense change (SIFT: "Deleterious"; PolyPhen-2: "Probably Damaging"; Align-GVGD: "Class C0"). This variant has not been reported in the literature in individuals affected with RAD51C-related conditions. This variant is not present in population databases (gnomAD no frequency). This sequence change replaces arginine, which is basic and polar, with isoleucine, which is neutral and non-polar, at codon 347 of the RAD51C protein (p.Arg347Ile).